The following is an entry in ClinVar:

ClinVar aggregate classification (germline): Conflicting classifications of pathogenicity. Review status: criteria provided, conflicting classifications (1 of 4 stars). 4 submissions from 4 submitters: Uncertain significance (1); Benign (1); Likely benign (2). Last evaluated 2026-09-18.

Conditions:
Colorectal cancer, hereditary nonpolyposis, type 7. Identifiers: Orphanet 144, MedGen C1858380, MONDO:0013725, OMIM 614385.

Allele frequency attached by ClinVar (database versions not stated): gnomAD exomes 0.00001; TOPMed below 0.00001; gnomAD 0.00001.

Submissions (4):

Myriad Genetics, Inc.
Classification: Benign for Colorectal cancer, hereditary nonpolyposis, type 7. Last evaluated: 2026-09-18. Review status: criteria provided, single submitter. Criteria: Myriad Autosomal Dominant, Autosomal Recessive and X-Linked Classification Criteria (2023). Collection method: clinical testing. Allele origin: unknown.
Comment: This variant is considered benign. This variant is a silent/synonymous amino acid change and it is not expected to impact splicing.

Labcorp Genetics (formerly Invitae), Labcorp
Classification: Likely benign for Colorectal cancer, hereditary nonpolyposis, type 7. Last evaluated: 2023-10-06. Review status: criteria provided, single submitter. Criteria: Invitae Variant Classification Sherloc (09022015). Collection method: clinical testing. Allele origin: germline.

Ambry Genetics
Classification: Likely benign. Last evaluated: 2021-06-09. Review status: criteria provided, single submitter. Criteria: Ambry Variant Classification Scheme 2023. Collection method: clinical testing. Allele origin: germline.

Illumina Laboratory Services, Illumina
Classification: Uncertain significance for Colorectal cancer, hereditary nonpolyposis, type 7. Last evaluated: 2018-03-02. Review status: criteria provided, single submitter. Criteria: ICSL Variant Classification Criteria 13 December 2019. Collection method: clinical testing. Allele origin: germline.

NM_001040108.2(MLH3):c.4239A>G (p.Lys1413=)

Gene: MLH3 (mutL homolog 3; minus strand). Cytogenetic location: 14q24.3.
Variant type: single nucleotide variant.
Coding change: c.4239A>G on transcript NM_001040108.2 (MANE Select); coding-DNA position 4239, A replaced by G.
Protein change: p.Lys1413=; no amino-acid change (lysine 1413 retained).
Molecular consequence: synonymous variant.
Genome position (GRCh38, 1-based): chr14:75,018,832, T>C on the plus strand (A>G on the coding strand, the complement: MLH3 is on the minus strand). VCF-style: chr14-75018832-T-C. GRCh37 (hg19) VCF-style: chr14-75485535-T-C.
Other names: c.4167A>G, p.Lys1389= (NM_014381.3).
Identifiers: ClinVar variation 887197 (VCV000887197.10), dbSNP rs975447813, ClinGen allele CA263630822.
Genomic context (GRCh38, chr14:75,018,832, plus strand): 5'-GAAAAGAAAGAGAAAATAAACTTTGCTCCCTCCTGCTCCTGTTAGTCATTAATGTACCTG[T>C]TTTTCCTGTTCCAAGTGGTCTATGTCAGCTAACGGCAGCATAGAAGGTCTCCCGTGAGCA-3'
Protein context (NP_001035197.1, residues 1403-1423): LADIDHLEQE[Lys1413=]QIKPNLTKLR